The following is an entry in ClinVar:

NM_022916.6(VPS33A):c.1482G>A (p.Pro494=)

Gene: VPS33A (VPS33A core subunit of CORVET and HOPS complexes; minus strand). Cytogenetic location: 12q24.31.
Variant type: single nucleotide variant.
Coding change: c.1482G>A on transcript NM_022916.6 (MANE Select); coding-DNA position 1482, G replaced by A.
Protein change: p.Pro494=; no amino-acid change (proline 494 retained).
Molecular consequence: synonymous variant.
Genome position (GRCh38, 1-based): chr12:122,232,927, C>T on the plus strand (G>A on the coding strand, the complement: VPS33A is on the minus strand). VCF-style: chr12-122232927-C-T. GRCh37 (hg19) VCF-style: chr12-122717474-C-T.
Other names: c.1449G>A, p.Pro483= (NM_001351018.2); c.1434G>A, p.Pro478= (NM_001351019.2); c.1161G>A, p.Pro387= (NM_001351020.2).
Identifiers: ClinVar variation 3051183 (VCV003051183.3), dbSNP rs146696978, ClinGen allele CA6844293.

ClinVar aggregate classification (germline): Likely benign. Review status: criteria provided, single submitter (1 of 4 stars). 2 submissions from 2 submitters: Likely benign (1). 1 of the submissions does not count toward it. Last evaluated 2025-06-30.

Conditions:
VPS33A-related disorder. Also called: VPS33A-related condition.

Allele frequency attached by ClinVar (database versions not stated): ExAC 0.00006; ESP Exome Variant Server 0.00008; gnomAD 0.00015.
gnomAD v4.1: 68 of 1,613,836 alleles (0.0042%); highest among the groups gnomAD compares: African/African-American, 0.043%; no homozygotes.

Submissions (2):

Labcorp Genetics (formerly Invitae), Labcorp
Classification: Likely benign. Last evaluated: 2025-06-30. Review status: criteria provided, single submitter. Criteria: Invitae Variant Classification Sherloc (09022015). Collection method: clinical testing. Allele origin: germline.

PreventionGenetics, part of Exact Sciences
Classification: Likely benign for VPS33A-related condition. Last evaluated: 2019-03-06. Review status: no assertion criteria provided. Collection method: clinical testing. Allele origin: germline. Not counted in ClinVar's aggregate classification.
Comment: This variant is classified as likely benign based on ACMG/AMP sequence variant interpretation guidelines (Richards et al. 2015 PMID: 25741868, with internal and published modifications).